The following is an entry in ClinVar:

NM_001256789.3(CACNA1F):c.5359+1G>A

Gene: CACNA1F (calcium voltage-gated channel subunit alpha1 F; minus strand). Cytogenetic location: Xp11.23.
Variant type: single nucleotide variant.
Coding change: c.5359+1G>A on transcript NM_001256789.3 (MANE Select); the canonical splice donor site of the intron after coding-DNA position 5359, G replaced by A.
Molecular consequence: splice donor variant.
Genome position (GRCh38, 1-based): chrX:49,206,727, C>T on the plus strand (G>A on the coding strand, the complement: CACNA1F is on the minus strand). VCF-style: chrX-49206727-C-T. GRCh37 (hg19) VCF-style: chrX-49063188-C-T.
Other names: c.5392+1G>A (NM_005183.4); c.5197+1G>A (NM_001256790.3).
Identifiers: ClinVar variation 852220 (VCV000852220.8), dbSNP rs1557104968, ClinGen allele CA412958118.
Genomic context (GRCh38, chrX:49,206,727, plus strand): 5'-CTTCCCCAGATCTCTGTCCTGCAGGCCCGTGGGGGCCCCTTGGATCCATCCCTGCTCTCA[C>T]CTGCAGGTGTGGGGGGCAGCAGACGGCGGCGTGGTACCAGGTGCCCATCCATGTATCTCT-3'

ClinVar aggregate classification (germline): Likely pathogenic (1 of 4 stars; one submission).

Allele frequency attached by ClinVar (database versions not stated): gnomAD exomes below 0.00001 and 0.00001.
gnomAD v4.1: 1 of 1,205,490 alleles (0.000083%); highest among the groups gnomAD compares: East Asian, 0.003%; no homozygotes.

Submission:

Labcorp Genetics (formerly Invitae), Labcorp
Classification: Likely pathogenic. Last evaluated: 2019-12-27. Review status: criteria provided, single submitter. Criteria: Invitae Variant Classification Sherloc (09022015). Collection method: clinical testing. Allele origin: germline.
Comment: This sequence change affects a donor splice site in intron 45 of the CACNA1F gene. It is expected to disrupt RNA splicing and likely results in an absent or disrupted protein product. This variant is not present in population databases (ExAC no frequency). This variant has not been reported in the literature in individuals with CACNA1F-related conditions. Algorithms developed to predict the effect of sequence changes on RNA splicing suggest that this variant may disrupt the consensus splice site, but this prediction has not been confirmed by published transcriptional studies. Donor and acceptor splice site variants typically lead to a loss of protein function (PMID: 16199547), and loss-of-function variants in CACNA1F are known to be pathogenic (PMID: 9662399, 11281458, 17525176, 22194652, 24124559, 26992781). In summary, the currently available evidence indicates that the variant is pathogenic, but additional data are needed to prove that conclusively. Therefore, this variant has been classified as Likely Pathogenic.

Literature cited by the submitters: PubMed 16199547; PubMed 9662399; PubMed 11281458; PubMed 17525176; PubMed 22194652; PubMed 24124559; PubMed 26992781.